The following is an entry in ClinVar:

ClinVar aggregate classification (germline): Uncertain significance (1 of 4 stars; one submission).

gnomAD v4.1: 4 of 1,613,820 alleles (0.00025%); highest among the groups gnomAD compares: African/African-American, 0.004%; no homozygotes.

Submission:

Labcorp Genetics (formerly Invitae), Labcorp
Classification: Uncertain significance. Last evaluated: 2025-06-12. Review status: criteria provided, single submitter. Criteria: Invitae Variant Classification Sherloc (09022015). Collection method: clinical testing. Allele origin: germline.
Comment: This sequence change replaces proline, which is neutral and non-polar, with serine, which is neutral and polar, at codon 3660 of the ANK3 protein (p.Pro3660Ser). This variant is present in population databases (no rsID available, gnomAD 0.004%). This variant has not been reported in the literature in individuals affected with ANK3-related conditions. Invitae Evidence Modeling of protein sequence and biophysical properties (such as structural, functional, and spatial information, amino acid conservation, physicochemical variation, residue mobility, and thermodynamic stability) indicates that this missense variant is not expected to disrupt ANK3 protein function with a negative predictive value of 80%. In summary, the available evidence is currently insufficient to determine the role of this variant in disease. Therefore, it has been classified as a Variant of Uncertain Significance.

NM_020987.5(ANK3):c.10978C>T (p.Pro3660Ser)

Gene: ANK3 (ankyrin 3; minus strand). Cytogenetic location: 10q21.2.
Variant type: single nucleotide variant.
Coding change: c.10978C>T on transcript NM_020987.5 (MANE Select); coding-DNA position 10978, C replaced by T.
Protein change: p.Pro3660Ser; replaces proline 3660 with serine.
Molecular consequence: missense variant. On other transcripts: intron variant (4).
Genome position (GRCh38, 1-based): chr10:60,069,903, G>A on the plus strand (C>T on the coding strand, the complement: ANK3 is on the minus strand). VCF-style: chr10-60069903-G-A. GRCh37 (hg19) VCF-style: chr10-61829661-G-A.
Other names: c.4388-1894C>T (NM_001204403.2); c.4409-1894C>T (NM_001204404.2); c.4406-1894C>T (NM_001320874.2); c.1808-1894C>T (NM_001149.4); short protein forms P3660S.
Identifiers: ClinVar variation 4701946 (VCV004701946.1).